The following is an entry in ClinVar:

ClinVar aggregate classification (germline): Uncertain significance (1 of 4 stars; one submission).

Submission:

GeneDx
Classification: Uncertain significance. Last evaluated: 2024-02-25. Review status: criteria provided, single submitter. Criteria: GeneDx Variant Classification Process June 2021. Collection method: clinical testing. Allele origin: germline. Affected: yes.
Comment: Has not been previously published as pathogenic or benign to our knowledge; In silico analysis supports that this missense variant has a deleterious effect on protein structure/function; Not observed at significant frequency in large population cohorts (gnomAD)

NM_000138.5(FBN1):c.5447C>G (p.Pro1816Arg)

Gene: FBN1 (fibrillin 1; minus strand). Cytogenetic location: 15q21.1.
Variant type: single nucleotide variant.
Coding change: c.5447C>G on transcript NM_000138.5 (MANE Select); coding-DNA position 5447, C replaced by G.
Protein change: p.Pro1816Arg; replaces proline 1816 with arginine.
Molecular consequence: missense variant.
Genome position (GRCh38, 1-based): chr15:48,452,660, G>C on the plus strand (C>G on the coding strand, the complement: FBN1 is on the minus strand). VCF-style: chr15-48452660-G-C. GRCh37 (hg19) VCF-style: chr15-48744857-G-C.
Other names: c.5447C>G, p.Pro1816Arg (NM_001406716.1); short protein forms P1816R.
Identifiers: ClinVar variation 3369794 (VCV003369794.1).